The following is an entry in ClinVar:

NM_004415.4(DSP):c.4190A>G (p.Asn1397Ser)

Gene: DSP (desmoplakin; plus strand). Cytogenetic location: 6p24.3.
Variant type: single nucleotide variant.
Coding change: c.4190A>G on transcript NM_004415.4 (MANE Select); coding-DNA position 4190, A replaced by G.
Protein change: p.Asn1397Ser; replaces asparagine 1397 with serine.
Molecular consequence: missense variant. On other transcripts: intron variant (2).
Genome position (GRCh38, 1-based): chr6:7,580,380, A>G. VCF-style: chr6-7580380-A-G. GRCh37 (hg19) VCF-style: chr6-7580613-A-G.
Other names: c.4050+140A>G (NM_001319034.2); c.3582+608A>G (NM_001008844.3); short protein forms N1397S.
Identifiers: ClinVar variation 3072473 (VCV003072473.2), dbSNP rs749308454, ClinGen allele CA040484.

ClinVar aggregate classification (germline): Uncertain significance. Review status: criteria provided, multiple submitters, no conflicts (2 of 4 stars). 2 submissions from 2 submitters: Uncertain significance (2). Last evaluated 2025-12-02.

Conditions:
Arrhythmogenic cardiomyopathy with wooly hair and keratoderma. Also called: PALMOPLANTAR KERATODERMA WITH LEFT VENTRICULAR CARDIOMYOPATHY AND WOOLLY HAIR; Carvajal syndrome; Dilated cardiomyopathy with woolly hair and keratoderma; Arrhythmogenic cardiomyopathy with woolly hair and keratoderma. Identifiers: Orphanet 65282, MedGen C1854063, MONDO:0011581, OMIM 605676.
Arrhythmogenic right ventricular dysplasia 8 (ARVD8). Also called: ARRHYTHMOGENIC RIGHT VENTRICULAR DYSPLASIA, FAMILIAL, 8; ARRHYTHMOGENIC RIGHT VENTRICULAR CARDIOMYOPATHY 8; Arrhythmogenic Right Ventricular Dysplasia/Cardiomyopathy 8. Identifiers: MedGen C1843896, MONDO:0011831, OMIM 607450.

Allele frequency attached by ClinVar (database versions not stated): gnomAD exomes below 0.00001; ExAC 0.00002.
gnomAD v4.1: 4 of 1,614,144 alleles (0.00025%); highest among the groups gnomAD compares: Non-Finnish European, 0.00025%; no homozygotes.

Submissions (2):

Labcorp Genetics (formerly Invitae), Labcorp
Classification: Uncertain significance for Arrhythmogenic cardiomyopathy with wooly hair and keratoderma; Arrhythmogenic right ventricular dysplasia 8. Last evaluated: 2025-12-02. Review status: criteria provided, single submitter. Criteria: Invitae Variant Classification Sherloc (09022015). Collection method: clinical testing. Allele origin: germline.
Comment: This sequence change replaces asparagine, which is neutral and polar, with serine, which is neutral and polar, at codon 1397 of the DSP protein (p.Asn1397Ser). This variant is present in population databases (rs749308454, gnomAD 0.0009%). This variant has not been reported in the literature in individuals affected with DSP-related conditions. ClinVar contains an entry for this variant (Variation ID: 3072473). An algorithm developed to predict the effect of missense changes on protein structure and function outputs the following: PolyPhen-2: "Benign". The serine amino acid residue is found in multiple mammalian species, which suggests that this missense change does not adversely affect protein function. In summary, the available evidence is currently insufficient to determine the role of this variant in disease. Therefore, it has been classified as a Variant of Uncertain Significance.

All of Us Research Program, National Institutes of Health
Classification: Uncertain significance for Arrhythmogenic cardiomyopathy with wooly hair and keratoderma. Last evaluated: 2023-07-19. Review status: criteria provided, single submitter. Criteria: ACMG Guidelines, 2015. Collection method: clinical testing. Allele origin: germline. Inheritance: Autosomal dominant inheritance. Observed: 1 variant allele, 1 heterozygote.
Comment: This missense variant replaces asparagine with serine at codon 1397 of the DSP protein. Computational prediction suggests that this variant may not impact protein structure and function (internally defined REVEL score threshold <= 0.5, PMID: 27666373). To our knowledge, functional studies have not been reported for this variant. This variant has not been reported in individuals affected with DSP-related disorders in the literature. This variant has been identified in 1/251314 chromosomes in the general population by the Genome Aggregation Database (gnomAD). The available evidence is insufficient to determine the role of this variant in disease conclusively. Therefore, this variant is classified as a Variant of Uncertain Significance.

This study involves interpretation of variants in research participants for the purpose of population health screening. Participant phenotype was not available at the time of variant classification. Additional details can be found in publication PMID: 35346344, PMCID: PMC8962531